The following is an entry in ClinVar:

NM_213599.3(ANO5):c.2146del (p.Tyr716fs)

Gene: ANO5 (anoctamin 5; plus strand). Cytogenetic location: 11p14.3.
Variant type: Deletion.
Coding change: c.2146del on transcript NM_213599.3 (MANE Select); coding-DNA position 2146, one base deleted (T; older notation c.2146delT).
Protein change: p.Tyr716fs; shifts the reading frame from tyrosine 716.
Molecular consequence: frameshift variant.
Genome position (GRCh38, 1-based): chr11:22,272,900, T deleted. VCF-style (leftmost placement, unchanged base first): chr11-22272899-AT-A. GRCh37 (hg19) VCF-style: chr11-22294445-AT-A.
Other names: c.2143del, p.Tyr715fs (NM_001142649.2); c.2104del, p.Tyr702fs (NM_001410963.1); c.2101del, p.Tyr701fs (NM_001410964.1); short protein forms Y701fs, Y702fs, Y715fs, Y716fs.
Identifiers: ClinVar variation 3750003 (VCV003750003.2).

ClinVar aggregate classification (germline): Pathogenic (1 of 4 stars; one submission).

Conditions:
Gnathodiaphyseal dysplasia (GDD). Also called: GNATHODIAPHYSEAL SCLEROSIS; OSTEOGENESIS IMPERFECTA WITH UNUSUAL SKELETAL LESIONS. Identifiers: Orphanet 53697, MedGen C1833736, MONDO:0008151, OMIM 166260.
Autosomal recessive limb-girdle muscular dystrophy type 2L (LGMDR12). Also called: Limb-girdle muscular dystrophy, type 2L; MUSCULAR DYSTROPHY, LIMB-GIRDLE, AUTOSOMAL RECESSIVE 12; Limb-Girdle Muscular Dystrophy R12 Anoctamin-5-Related (LGMD-R12). Identifiers: Orphanet 206549, MedGen C1969785, MONDO:0012652, OMIM 611307.

Submission:

Labcorp Genetics (formerly Invitae), Labcorp
Classification: Pathogenic for Autosomal recessive limb-girdle muscular dystrophy type 2L; Gnathodiaphyseal dysplasia. Last evaluated: 2024-06-28. Review status: criteria provided, single submitter. Criteria: Invitae Variant Classification Sherloc (09022015). Collection method: clinical testing. Allele origin: germline.
Comment: This sequence change creates a premature translational stop signal (p.Tyr716Thrfs*5) in the ANO5 gene. It is expected to result in an absent or disrupted protein product. Loss-of-function variants in ANO5 are known to be pathogenic (PMID: 21186264, 23606453, 25891276, 30919934). This variant is not present in population databases (gnomAD no frequency). This variant has not been reported in the literature in individuals affected with ANO5-related conditions. For these reasons, this variant has been classified as Pathogenic.

Literature cited by the submitters: PubMed 21186264; PubMed 23606453; PubMed 25891276; PubMed 30919934.